The following is an entry in ClinVar:

NM_001083962.2(TCF4):c.1669_1670delinsGG (p.Leu557Gly)

Gene: TCF4 (transcription factor 4; minus strand). Cytogenetic location: 18q21.2.
Variant type: Indel.
Coding change: c.1669_1670delinsGG on transcript NM_001083962.2 (MANE Select); coding-DNA positions 1669 to 1670, CT replaced by GG.
Protein change: p.Leu557Gly; replaces leucine 557 with glycine.
Molecular consequence: missense variant.
Genome position (GRCh38, 1-based): chr18:55,229,056-55,229,057, AG replaced by CC on the plus strand (CT replaced by GG on the coding strand, the reverse complement: TCF4 is on the minus strand). VCF-style: chr18-55229056-AG-CC. GRCh37 (hg19) VCF-style: chr18-52896287-AG-CC.
Other names: c.1594_1595delinsGG, p.Leu532Gly (NM_001369578.1, NM_001369579.1, NM_001369580.1 and 3 more transcripts); c.1585_1586delinsGG, p.Leu529Gly (NM_001369582.1, NM_001369583.1, NM_001306207.1 and 1 more transcripts); c.1582_1583delinsGG, p.Leu528Gly (NM_001369584.1, NM_001369585.1, NM_001348220.1); c.1600_1601delinsGG, p.Leu534Gly (NM_001369586.1); c.1657_1658delinsGG, p.Leu553Gly (NM_003199.3, NM_001369571.1, NM_001369572.1); c.1975_1976delinsGG, p.Leu659Gly (NM_001243226.3); c.1597_1598delinsGG, p.Leu533Gly (NM_001243227.2, NM_001348217.1, NM_001348218.2 and 1 more transcripts); c.1687_1688delinsGG, p.Leu563Gly (NM_001243228.2); and 14 more; short protein forms L341G, L392G, L393G, L397G, L423G, L427G, L482G, L486G.
Identifiers: ClinVar variation 3364551 (VCV003364551.1).

ClinVar aggregate classification (germline): Uncertain significance (1 of 4 stars; one submission).

Submission:

GeneDx
Classification: Uncertain significance. Last evaluated: 2023-11-18. Review status: criteria provided, single submitter. Criteria: GeneDx Variant Classification Process June 2021. Collection method: clinical testing. Allele origin: germline. Affected: yes.
Comment: Not observed at significant frequency in large population cohorts (gnomAD); In silico analysis supports a deleterious effect on protein structure/function; Has not been previously published as pathogenic or benign to our knowledge